The following is an entry in ClinVar:

ClinVar aggregate classification (germline): Uncertain significance (1 of 4 stars; one submission).

Conditions:
Cystic fibrosis (CF). Also called: MUCOVISCIDOSIS. Identifiers: Orphanet 586, MedGen C0010674, MONDO:0009061, OMIM 219700. Disease mechanism: loss of function.

Submission:

Labcorp Genetics (formerly Invitae), Labcorp
Classification: Uncertain significance for Cystic fibrosis. Last evaluated: 2024-01-10. Review status: criteria provided, single submitter. Criteria: Invitae Variant Classification Sherloc (09022015). Collection method: clinical testing. Allele origin: unknown.
Comment: This variant results in a copy number gain of the genomic region encompassing exon(s) 22 of the CFTR gene. While the exact position of this variant cannot be determined from the data, sub-genic copy number gains are generally in tandem (PMID: 25640679). This variant is predicted to be in-frame, and likely preserves the integrity of the reading frame. A similar copy number variant has been observed in individual(s) with clinical features of cystic fibrosis (PMID: 20052766, 34860163; Invitae). In at least one individual the data is consistent with being in trans (on the opposite chromosome) from a pathogenic variant. This variant is also known as a duplication of exon 19. Experimental studies and prediction algorithms are not available or were not evaluated, and the functional significance of this variant is currently unknown. In summary, the available evidence is currently insufficient to determine the role of this variant in disease. Therefore, it has been classified as a Variant of Uncertain Significance.

Literature cited by the submitters: PubMed 25640679; PubMed 20052766; PubMed 34860163.

NC_000007.13:g.(?_117267556)_(117267864_?)dup

Gene: CFTR (CF transmembrane conductance regulator; plus strand). Cytogenetic location: 7q31.2.
Variant type: Duplication.
Identifiers: ClinVar variation 3245684 (VCV003245684.1).